The following is an entry in ClinVar:

NM_006796.3(AFG3L2):c.1749G>A (p.Trp583Ter)

Gene: AFG3L2 (AFG3 like matrix AAA peptidase subunit 2; minus strand). Cytogenetic location: 18p11.21.
Variant type: single nucleotide variant.
Coding change: c.1749G>A on transcript NM_006796.3 (MANE Select); coding-DNA position 1749, G replaced by A.
Protein change: p.Trp583Ter; replaces tryptophan 583 with a stop codon.
Molecular consequence: nonsense.
Genome position (GRCh38, 1-based): chr18:12,344,162, C>T on the plus strand (G>A on the coding strand, the complement: AFG3L2 is on the minus strand). VCF-style: chr18-12344162-C-T. GRCh37 (hg19) VCF-style: chr18-12344161-C-T.
Other names: p.Trp583Ter; short protein forms W583*.
Identifiers: ClinVar variation 1810409 (VCV001810409.8), dbSNP rs2510223754, ClinGen allele CA401949553.

ClinVar aggregate classification (germline): Likely pathogenic. Review status: criteria provided, multiple submitters, no conflicts (2 of 4 stars). 4 submissions from 4 submitters: Likely pathogenic (3). 1 of the submissions does not count toward it. Last evaluated 2023-07-21.

Conditions:
Spastic ataxia 5. Also called: Spastic Ataxia Type 5 (SPAX5). Identifiers: Orphanet 313772, MedGen C3280977, MONDO:0013776, OMIM 614487.
AFG3L2-related disorder. Also called: AFG3L2-related condition.

Submissions (4):

Revvity Omics, Revvity
Classification: Likely pathogenic. Last evaluated: 2023-07-21. Review status: criteria provided, single submitter. Criteria: ACMG Guidelines, 2015. Collection method: clinical testing. Allele origin: germline.

Broad Center for Mendelian Genomics, Broad Institute of MIT and Harvard
Classification: Likely pathogenic for Spastic ataxia 5. Last evaluated: 2023-01-25. Review status: criteria provided, single submitter. Criteria: ACMG Guidelines, 2015. Collection method: curation. Allele origin: germline. Inheritance: Autosomal recessive inheritance.
Comment: Familial genome analysis revealed that this variant was in trans with a likely pathogenic variant (ClinVar Variation ID: 162524). The p.Trp583Ter variant in AFG3L2 has not been previously reported in individuals with spastic ataxia 5. This variant was absent from large population studies. This nonsense variant leads to a premature termination codon at position 583, which is predicted to lead to a truncated or absent protein. Loss of function of the AFG3L2 gene is strongly associated to autosomal recessive spastic ataxia 5. In summary, although additional studies are required to fully establish its clinical significance, this variant is likely pathogenic for spastic ataxia 5. ACMG/AMP Criteria applied: PVS1_Strong, PM2_Supporting, PM3 (Richards 2015).

Blueprint Genetics
Classification: Likely pathogenic for AFG3L2-related disorders. Last evaluated: 2020-04-09. Review status: criteria provided, single submitter. Criteria: ACMG Guidelines, 2015. Collection method: clinical testing. Allele origin: germline. Affected: yes. Observed: 1 variant allele.

Undiagnosed Diseases Network, NIH
Classification: Likely pathogenic for Spastic ataxia 5. Last evaluated: 2022-08-03. Review status: no assertion criteria provided. Collection method: clinical testing. Allele origin: maternal. Affected: yes. Observed: 1 variant allele, 1 compound heterozygote. Study: Undiagnosed Diseases Network (NIH), UDN. Not counted in ClinVar's aggregate classification.